The following is an entry in ClinVar:

NM_003227.4(TFR2):c.2101C>T (p.Arg701Ter)

Genes: TFR2 (transferrin receptor 2; minus strand), LOC113687175 (Sharpr-MPRA regulatory region 4647; plus strand). Cytogenetic location: 7q22.1.
Variant type: single nucleotide variant.
Coding change: c.2101C>T on transcript NM_003227.4 (MANE Select); coding-DNA position 2101, C replaced by T.
Protein change: p.Arg701Ter; replaces arginine 701 with a stop codon.
Molecular consequence: nonsense.
Genome position (GRCh38, 1-based): chr7:100,626,798, G>A on the plus strand (C>T on the coding strand, the complement: TFR2 is on the minus strand). VCF-style: chr7-100626798-G-A. GRCh37 (hg19) VCF-style: chr7-100224421-G-A.
Other names: c.1588C>T, p.Arg530Ter (NM_001206855.3); short protein forms R530*, R701*.
Identifiers: ClinVar variation 802342 (VCV000802342.15), dbSNP rs946552921, ClinGen allele CA163275741.

ClinVar aggregate classification (germline): Conflicting classifications of pathogenicity. Review status: criteria provided, conflicting classifications (1 of 4 stars). 4 submissions from 4 submitters: Pathogenic (2); Likely pathogenic (1); Uncertain significance (1). Last evaluated 2026-03-27.

Conditions:
Hereditary hemochromatosis (HFE). Identifiers: MedGen C0392514, MONDO:0006507. Disease mechanism: loss of function.
Hemochromatosis type 3 (HFE3). Also called: Hereditary hemochromatosis type 3; HEMOCHROMATOSIS DUE TO DEFECT IN TRANSFERRIN RECEPTOR 2; TFR2-Related Hemochromatosis. Identifiers: Orphanet 225123, MedGen C1858664, MONDO:0011417, OMIM 604250.
Hemochromatosis type 1 (HFE1). Also called: HFE-Associated Hereditary Hemochromatosis; HFE-Related Hemochromatosis. Identifiers: Orphanet 465508, MedGen C3469186, MONDO:0021001, OMIM 235200. Disease mechanism: loss of function.

Allele frequency attached by ClinVar (database versions not stated): TOPMed 0.00001.
gnomAD v4.1: 5 of 1,548,386 alleles (0.00032%); highest among the groups gnomAD compares: Admixed American, 0.002%; no homozygotes.

Submissions (4):

Dasa
Classification: Uncertain significance. Last evaluated: 2026-03-27. Review status: criteria provided, single submitter. Criteria: DASA Assertion Criteria. Collection method: clinical testing. Allele origin: germline.
Comment: NM_003227.4(TFR2):c.2101C>T (p.Arg701*) is a nonsense variant in TFR2 predicted to introduce a premature termination codon and is predicted to result in an absent or altered protein product. This variant is rare in population databases. The currently available literature and clinical evidence are not sufficient to establish a definitive association between this variant and the reported condition. Therefore, this variant is classified as a variant of uncertain significance.

Labcorp Genetics (formerly Invitae), Labcorp
Classification: Pathogenic for Hereditary hemochromatosis. Last evaluated: 2025-10-17. Review status: criteria provided, single submitter. Criteria: Invitae Variant Classification Sherloc (09022015). Collection method: clinical testing. Allele origin: germline.
Comment: This sequence change creates a premature translational stop signal (p.Arg701*) in the TFR2 gene. While this is not anticipated to result in nonsense mediated decay, it is expected to disrupt the last 101 amino acid(s) of the TFR2 protein. The frequency data for this variant in the population databases is considered unreliable, as metrics indicate poor data quality at this position in the gnomAD database. This variant has not been reported in the literature in individuals affected with TFR2-related conditions. ClinVar contains an entry for this variant (Variation ID: 802342). This variant disrupts a region of the TFR2 protein in which other variant(s) (p.Trp781*) have been determined to be pathogenic (PMID: 23600741, 26029709). This suggests that this is a clinically significant region of the protein, and that variants that disrupt it are likely to be disease-causing. For these reasons, this variant has been classified as Pathogenic.

Baylor Genetics
Classification: Likely pathogenic for Hemochromatosis type 3. Last evaluated: 2024-02-15. Review status: criteria provided, single submitter. Criteria: ACMG Guidelines, 2015. Collection method: clinical testing. Allele origin: unknown.

Mendelics
Classification: Pathogenic for Hemochromatosis type 1. Last evaluated: 2019-05-28. Review status: criteria provided, single submitter. Criteria: Mendelics Assertion Criteria 2017. Collection method: clinical testing. Allele origin: unknown.

Literature cited by the submitters: PubMed 23600741 (cited by Labcorp Genetics (formerly Invitae), Labcorp); PubMed 26029709 (cited by Labcorp Genetics (formerly Invitae), Labcorp).